The following is an entry in ClinVar:

ClinVar aggregate classification (germline): Uncertain significance (1 of 4 stars; one submission).

Conditions:
Hereditary cancer-predisposing syndrome. Also called: Tumor predisposition; Hereditary neoplastic syndrome; Hereditary Cancer Syndrome; Neoplastic Syndromes, Hereditary. Identifiers: Orphanet 140162, MedGen C0027672, MeSH D009386, MONDO:0015356.

Submission:

Ambry Genetics
Classification: Uncertain significance for Hereditary cancer-predisposing syndrome. Last evaluated: 2025-04-13. Review status: criteria provided, single submitter. Criteria: Ambry Variant Classification Scheme 2023. Collection method: clinical testing. Allele origin: germline.
Comment: The p.E978K variant (also known as c.2932G>A), located in coding exon 25 of the POLE gene, results from a G to A substitution at nucleotide position 2932. The glutamic acid at codon 978 is replaced by lysine, an amino acid with similar properties. This amino acid position is conserved. In addition, this alteration is predicted to be deleterious by in silico analysis. Based on the available evidence, the clinical significance of this variant remains unclear.

NM_006231.4(POLE):c.2932G>A (p.Glu978Lys)

Gene: POLE (DNA polymerase epsilon, catalytic subunit; minus strand). Cytogenetic location: 12q24.33.
Variant type: single nucleotide variant.
Coding change: c.2932G>A on transcript NM_006231.4 (MANE Select); coding-DNA position 2932, G replaced by A.
Protein change: p.Glu978Lys; replaces glutamic acid 978 with lysine.
Molecular consequence: missense variant.
Genome position (GRCh38, 1-based): chr12:132,661,097, C>T on the plus strand (G>A on the coding strand, the complement: POLE is on the minus strand). VCF-style: chr12-132661097-C-T. GRCh37 (hg19) VCF-style: chr12-133237683-C-T.
Other names: short protein forms E978K.
Identifiers: ClinVar variation 3935725 (VCV003935725.1).